The following is an entry in ClinVar:

ClinVar aggregate classification (germline): Uncertain significance. Review status: criteria provided, multiple submitters, no conflicts (2 of 4 stars). 2 submissions from 2 submitters: Uncertain significance (2). Last evaluated 2026-03-26.

Conditions:
TJP2-related disorder. Also called: TJP2-related condition.

gnomAD v4.1: 14 of 1,593,314 alleles (0.00088%); highest among the groups gnomAD compares: Middle Eastern, 0.017%; no homozygotes.

Submissions (2):

PreventionGenetics, part of Exact Sciences
Classification: Uncertain significance for TJP2-related condition. Last evaluated: 2026-03-26. Review status: criteria provided, single submitter. Criteria: ACMG Guidelines, 2015. Collection method: clinical testing. Allele origin: germline.
Comment: The TJP2 c.629C>T variant is predicted to result in the amino acid substitution p.Ala210Val. To our knowledge, this variant has not been reported in the literature. This variant is reported in 0.0048% of alleles in individuals of African descent in gnomAD. At this time, the clinical significance of this variant is uncertain due to the absence of conclusive functional and genetic evidence.

Labcorp Genetics (formerly Invitae), Labcorp
Classification: Uncertain significance. Last evaluated: 2022-08-22. Review status: criteria provided, single submitter. Criteria: Invitae Variant Classification Sherloc (09022015). Collection method: clinical testing. Allele origin: germline.
Comment: This sequence change replaces alanine, which is neutral and non-polar, with valine, which is neutral and non-polar, at codon 210 of the TJP2 protein (p.Ala210Val). The frequency data for this variant in the population databases is considered unreliable, as metrics indicate poor data quality at this position in the gnomAD database. This variant has not been reported in the literature in individuals affected with TJP2-related conditions. Algorithms developed to predict the effect of missense changes on protein structure and function (SIFT, PolyPhen-2, Align-GVGD) all suggest that this variant is likely to be tolerated. In summary, the available evidence is currently insufficient to determine the role of this variant in disease. Therefore, it has been classified as a Variant of Uncertain Significance.

NM_004817.4(TJP2):c.629C>T (p.Ala210Val)

Gene: TJP2 (tight junction protein 2; plus strand). Cytogenetic location: 9q21.11.
Variant type: single nucleotide variant.
Coding change: c.629C>T on transcript NM_004817.4 (MANE Select); coding-DNA position 629, C replaced by T.
Protein change: p.Ala210Val; replaces alanine 210 with valine.
Molecular consequence: missense variant.
Genome position (GRCh38, 1-based): chr9:69,221,173, C>T. VCF-style: chr9-69221173-C-T. GRCh37 (hg19) VCF-style: chr9-71836089-C-T.
Other names: c.629C>T (NM_004817.3); c.560C>T, p.Ala187Val (NM_001170414.2, NM_001369870.1, NM_001369871.1); c.641C>T, p.Ala214Val (NM_001170415.1, NM_001369874.1, NM_001369875.1); c.722C>T, p.Ala241Val (NM_001170416.2); c.629C>T, p.Ala210Val (NM_001369872.1, NM_001369873.1, NM_201629.3); short protein forms A210V, A241V, A187V, A214V.
Identifiers: ClinVar variation 1911122 (VCV001911122.3), dbSNP rs773909292, ClinGen allele CA5073052.